The following is an entry in ClinVar:

ClinVar aggregate classification (germline): Conflicting classifications of pathogenicity. Review status: criteria provided, conflicting classifications (1 of 4 stars). 9 submissions from 9 submitters: Uncertain significance (7); Likely benign (2). Last evaluated 2026-07-31.

Conditions:
Cardiovascular phenotype. Identifiers: MedGen CN230736.
Sitosterolemia (STSL). Also called: PHYTOSTEROLEMIA. Identifiers: Orphanet 2882, MedGen C0342907, MONDO:0008863.
ABCG5-related disorder. Also called: ABCG5-related condition.
Sitosterolemia 2. Identifiers: MedGen C5231453, MONDO:0020748, OMIM 618666.
Sitosterolemia 1. Identifiers: MedGen C2749759, MONDO:0020747, OMIM 210250.

Allele frequency attached by ClinVar (database versions not stated): gnomAD 0.00015; gnomAD exomes 0.00016 and 0.00017; ExAC 0.00019; ESP Exome Variant Server 0.00031; TOPMed 0.00026.
gnomAD v4.1: 261 of 1,614,064 alleles (0.016%); highest among the groups gnomAD compares: Admixed American, 0.028%; no homozygotes.

Submissions (9):

PreventionGenetics, part of Exact Sciences
Classification: Uncertain significance for ABCG5-related condition. Last evaluated: 2026-07-31. Review status: criteria provided, single submitter. Criteria: ACMG Guidelines, 2015. Collection method: clinical testing. Allele origin: germline.
Comment: The ABCG5 c.1163C>T variant is predicted to result in the amino acid substitution p.Thr388Met. To our knowledge, this variant has not been reported in the literature. This variant is reported in 0.026% of alleles in individuals of European (Non-Finnish) descent in gnomAD. At this time, the clinical significance of this variant is uncertain due to the absence of conclusive functional and genetic evidence.

Blueprint Genetics
Classification: Likely benign. Last evaluated: 2024-11-04. Review status: criteria provided, single submitter. Criteria: ACMG Guidelines, 2015. Collection method: clinical testing. Allele origin: germline.

Revvity Omics, Revvity
Classification: Uncertain significance for Sitosterolemia 2. Last evaluated: 2024-10-22. Review status: criteria provided, single submitter. Criteria: ACMG Guidelines, 2015. Collection method: clinical testing. Allele origin: germline.

GeneDx
Classification: Uncertain significance. Last evaluated: 2024-08-06. Review status: criteria provided, single submitter. Criteria: GeneDx Variant Classification Process June 2021. Collection method: clinical testing. Allele origin: germline. Affected: yes.
Comment: In silico analysis indicates that this missense variant does not alter protein structure/function; Has not been previously published as pathogenic or benign to our knowledge

Labcorp Genetics (formerly Invitae), Labcorp
Classification: Uncertain significance for Sitosterolemia. Last evaluated: 2022-09-10. Review status: criteria provided, single submitter. Criteria: Invitae Variant Classification Sherloc (09022015). Collection method: clinical testing. Allele origin: germline.
Comment: This sequence change replaces threonine, which is neutral and polar, with methionine, which is neutral and non-polar, at codon 388 of the ABCG5 protein (p.Thr388Met). This variant is present in population databases (rs149418765, gnomAD 0.03%). This variant has not been reported in the literature in individuals affected with ABCG5-related conditions. ClinVar contains an entry for this variant (Variation ID: 336042). Algorithms developed to predict the effect of missense changes on protein structure and function output the following: SIFT: "Tolerated"; PolyPhen-2: "Benign"; Align-GVGD: "Class C0". The methionine amino acid residue is found in multiple mammalian species, which suggests that this missense change does not adversely affect protein function. In summary, the available evidence is currently insufficient to determine the role of this variant in disease. Therefore, it has been classified as a Variant of Uncertain Significance.

Mayo Clinic Laboratories, Mayo Clinic
Classification: Uncertain significance. Last evaluated: 2022-07-28. Review status: criteria provided, single submitter. Criteria: ACMG Guidelines, 2015. Collection method: clinical testing. Allele origin: germline. Observed: 2 variant alleles.
Comment: BP4

New York Genome Center
Classification: Uncertain significance for Sitosterolemia 2. Last evaluated: 2022-04-14. Review status: criteria provided, single submitter. Criteria: NYGC Assertion Criteria 2020. Collection method: clinical testing. Allele origin: germline. Observed: 1 heterozygote.

Ambry Genetics
Classification: Likely benign for Cardiovascular phenotype. Last evaluated: 2021-10-07. Review status: criteria provided, single submitter. Criteria: Ambry Variant Classification Scheme 2023. Collection method: clinical testing. Allele origin: germline.

Illumina Laboratory Services, Illumina
Classification: Uncertain significance for Sitosterolemia 1. Last evaluated: 2018-01-13. Review status: criteria provided, single submitter. Criteria: ICSL Variant Classification Criteria 13 December 2019. Collection method: clinical testing. Allele origin: germline.

NM_022436.3(ABCG5):c.1163C>T (p.Thr388Met)

Genes: ABCG5 (ATP binding cassette subfamily G member 5; minus strand), DYNC2LI1 (dynein cytoplasmic 2 light intermediate chain 1; plus strand). Cytogenetic location: 2p21.
Variant type: single nucleotide variant.
Coding change: c.1163C>T on transcript NM_022436.3 (MANE Select); coding-DNA position 1163, C replaced by T.
Protein change: p.Thr388Met; replaces threonine 388 with methionine.
Molecular consequence: missense variant. On other transcripts: intron variant (2).
Genome position (GRCh38, 1-based): chr2:43,824,074, G>A on the plus strand (C>T on the coding strand, the complement: ABCG5 is on the minus strand). VCF-style: chr2-43824074-G-A. GRCh37 (hg19) VCF-style: chr2-44051213-G-A.
Other names: p.Thr388Met; c.*16-3312G>A (NM_001348913.2, NM_001348912.2); short protein forms T388M.
Identifiers: ClinVar variation 336042 (VCV000336042.21), dbSNP rs149418765, ClinGen allele CA1636380.
Genomic context (GRCh38, chr2:43,824,074, plus strand): 5'-CGGACCCGCAGAACGAAGAAAAGGAGGAACAAACCCATGATCAGATTCTGAAGGAGACGC[G>A]TAATCACTGCCAGCTTATTTCTCACCAAGTTTCTTGTCACTCTCCTGAAAACAAACAACC-3'
Protein context (NP_071881.1, residues 378-398): NLVRNKLAVI[Thr388Met]RLLQNLIMGL